The following is an entry in ClinVar:

NM_170601.5(SIAE):c.907A>G (p.Thr303Ala)

Gene: SIAE (sialic acid acetylesterase; minus strand). Cytogenetic location: 11q24.2.
Variant type: single nucleotide variant.
Coding change: c.907A>G on transcript NM_170601.5 (MANE Select); coding-DNA position 907, A replaced by G.
Protein change: p.Thr303Ala; replaces threonine 303 with alanine.
Molecular consequence: missense variant.
Genome position (GRCh38, 1-based): chr11:124,647,424, T>C on the plus strand (A>G on the coding strand, the complement: SIAE is on the minus strand). VCF-style: chr11-124647424-T-C. GRCh37 (hg19) VCF-style: chr11-124517320-T-C.
Other names: c.802A>G, p.Thr268Ala (NM_001199922.2); c.907A>G (NM_170601.4); short protein forms T268A, T303A.
Identifiers: ClinVar variation 4701361 (VCV004701361.2).

ClinVar aggregate classification (germline): Uncertain significance. Review status: criteria provided, multiple submitters, no conflicts (2 of 4 stars). 2 submissions from 2 submitters: Uncertain significance (2). Last evaluated 2025-05-12.

Conditions:
SIAE-related disorder. Also called: SIAE-related condition.

gnomAD v4.1: 1 of 1,614,162 alleles (0.000062%); highest among the groups gnomAD compares: Admixed American, 0.0017%; no homozygotes.

Submissions (2):

Labcorp Genetics (formerly Invitae), Labcorp
Classification: Uncertain significance. Last evaluated: 2025-05-12. Review status: criteria provided, single submitter. Criteria: Invitae Variant Classification Sherloc (09022015). Collection method: clinical testing. Allele origin: germline.
Comment: This sequence change replaces threonine, which is neutral and polar, with alanine, which is neutral and non-polar, at codon 303 of the SIAE protein (p.Thr303Ala). This variant is present in population databases (no rsID available, gnomAD 0.003%). This variant has not been reported in the literature in individuals affected with SIAE-related conditions. An algorithm developed to predict the effect of missense changes on protein structure and function outputs the following: PolyPhen-2: "Benign". The alanine amino acid residue is found in multiple mammalian species, which suggests that this missense change does not adversely affect protein function. In summary, the available evidence is currently insufficient to determine the role of this variant in disease. Therefore, it has been classified as a Variant of Uncertain Significance.

PreventionGenetics, part of Exact Sciences
Classification: Uncertain significance for SIAE-related condition. Last evaluated: 2024-12-18. Review status: criteria provided, single submitter. Criteria: ACMG Guidelines, 2015. Collection method: clinical testing. Allele origin: germline.
Comment: The SIAE c.907A>G variant is predicted to result in the amino acid substitution p.Thr303Ala. To our knowledge, this variant has not been reported in the literature. This variant is reported in 0.0029% of alleles in individuals of Latino descent in gnomAD. At this time, the clinical significance of this variant is uncertain due to the absence of conclusive functional and genetic evidence.